The following is an entry in ClinVar:

ClinVar aggregate classification (germline): Uncertain significance (1 of 4 stars; one submission).

Allele frequency attached by ClinVar (database versions not stated): gnomAD 0.00001; gnomAD exomes 0.00001; TOPMed 0.00003.
gnomAD v4.1: 11 of 1,612,666 alleles (0.00068%); highest among the groups gnomAD compares: Non-Finnish European, 0.00093%; no homozygotes.

Submission:

Labcorp Genetics (formerly Invitae), Labcorp
Classification: Uncertain significance. Last evaluated: 2024-10-22. Review status: criteria provided, single submitter. Criteria: Invitae Variant Classification Sherloc (09022015). Collection method: clinical testing. Allele origin: germline.
Comment: This sequence change replaces arginine, which is basic and polar, with glutamine, which is neutral and polar, at codon 297 of the ABCD3 protein (p.Arg297Gln). This variant is present in population databases (no rsID available, gnomAD 0.003%). This variant has not been reported in the literature in individuals affected with ABCD3-related conditions. ClinVar contains an entry for this variant (Variation ID: 2081361). An algorithm developed to predict the effect of missense changes on protein structure and function outputs the following: PolyPhen-2: "Benign". The glutamine amino acid residue is found in multiple mammalian species, which suggests that this missense change does not adversely affect protein function. In summary, the available evidence is currently insufficient to determine the role of this variant in disease. Therefore, it has been classified as a Variant of Uncertain Significance.

NM_002858.4(ABCD3):c.890G>A (p.Arg297Gln)

Gene: ABCD3 (ATP binding cassette subfamily D member 3; plus strand). Cytogenetic location: 1p21.3.
Variant type: single nucleotide variant.
Coding change: c.890G>A on transcript NM_002858.4 (MANE Select); coding-DNA position 890, G replaced by A.
Protein change: p.Arg297Gln; replaces arginine 297 with glutamine.
Molecular consequence: missense variant.
Genome position (GRCh38, 1-based): chr1:94,483,232, G>A. VCF-style: chr1-94483232-G-A. GRCh37 (hg19) VCF-style: chr1-94948788-G-A.
Other names: short protein forms R297Q.
Identifiers: ClinVar variation 2081361 (VCV002081361.4), dbSNP rs1397062618, ClinGen allele CA341302684.